The following is an entry in ClinVar:

ClinVar aggregate classification (germline): Uncertain significance. Review status: criteria provided, multiple submitters, no conflicts (2 of 4 stars). 2 submissions from 2 submitters: Uncertain significance (2). Last evaluated 2024-10-19.

Conditions:
Inborn genetic diseases. Identifiers: MedGen C0950123, MeSH D030342.

Allele frequency attached by ClinVar (database versions not stated): gnomAD exomes below 0.00001; ESP Exome Variant Server 0.00015.

Submissions (2):

Ambry Genetics
Classification: Uncertain significance for Inborn genetic diseases. Last evaluated: 2024-10-19. Review status: criteria provided, single submitter. Criteria: Ambry Variant Classification Scheme 2023. Collection method: clinical testing. Allele origin: germline.

Labcorp Genetics (formerly Invitae), Labcorp
Classification: Uncertain significance. Last evaluated: 2022-11-01. Review status: criteria provided, single submitter. Criteria: Invitae Variant Classification Sherloc (09022015). Collection method: clinical testing. Allele origin: germline.
Comment: This variant has not been reported in the literature in individuals affected with PIGP-related conditions. In summary, the available evidence is currently insufficient to determine the role of this variant in disease. Therefore, it has been classified as a Variant of Uncertain Significance. Algorithms developed to predict the effect of missense changes on protein structure and function output the following: SIFT: "Deleterious"; PolyPhen-2: "Benign"; Align-GVGD: "Class C0". The methionine amino acid residue is found in multiple mammalian species, which suggests that this missense change does not adversely affect protein function. ClinVar contains an entry for this variant (Variation ID: 1363717). The frequency data for this variant in the population databases is considered unreliable, as metrics indicate poor data quality at this position in the gnomAD database. This sequence change replaces valine, which is neutral and non-polar, with methionine, which is neutral and non-polar, at codon 56 of the PIGP protein (p.Val56Met).

NM_153682.3(PIGP):c.94G>A (p.Val32Met)

Gene: PIGP (phosphatidylinositol glycan anchor biosynthesis class P; minus strand). Cytogenetic location: 21q22.13.
Variant type: single nucleotide variant.
Coding change: c.94G>A on transcript NM_153682.3 (MANE Select); coding-DNA position 94, G replaced by A.
Protein change: p.Val32Met; replaces valine 32 with methionine.
Molecular consequence: missense variant.
Genome position (GRCh38, 1-based): chr21:37,069,613, C>T on the plus strand (G>A on the coding strand, the complement: PIGP is on the minus strand). VCF-style: chr21-37069613-C-T. GRCh37 (hg19) VCF-style: chr21-38441913-C-T.
Other names: c.94G>A, p.Val32Met (NM_001320480.2); c.16G>A, p.Val6Met (NM_016430.4); c.166G>A, p.Val56Met (NM_153681.2); short protein forms V56M, V32M, V6M.
Identifiers: ClinVar variation 1363717 (VCV001363717.7), dbSNP rs374872366, ClinGen allele CA320405480.